The following is an entry in ClinVar:

ClinVar aggregate classification (germline): Uncertain significance. Review status: criteria provided, multiple submitters, no conflicts (2 of 4 stars). 2 submissions from 2 submitters: Uncertain significance (2). Last evaluated 2025-12-09.

Conditions:
CAMTA1-related disorder. Also called: CAMTA1-related condition.

gnomAD v4.1: 5 of 1,613,892 alleles (0.00031%); highest among the groups gnomAD compares: East Asian, 0.0022%; no homozygotes.

Submissions (2):

PreventionGenetics, part of Exact Sciences
Classification: Uncertain significance for CAMTA1-related condition. Last evaluated: 2025-12-09. Review status: criteria provided, single submitter. Criteria: ACMG Guidelines, 2015. Collection method: clinical testing. Allele origin: germline.
Comment: The CAMTA1 c.3893G>A variant is predicted to result in the amino acid substitution p.Arg1298Gln. To our knowledge, this variant has not been reported in the literature or in a large population database (gnomAD), indicating this variant is rare. At this time, the clinical significance of this variant is uncertain due to the absence of conclusive functional and genetic evidence.

Blueprint Genetics
Classification: Uncertain significance. Last evaluated: 2022-12-16. Review status: criteria provided, single submitter. Criteria: ACMG Guidelines, 2015. Collection method: clinical testing. Allele origin: germline.

NM_015215.4(CAMTA1):c.3893G>A (p.Arg1298Gln)

Genes: CAMTA1 (calmodulin binding transcription activator 1; plus strand), LOC126805603 (CDK7 strongly-dependent group 2 enhancer GRCh37_chr1:7798026-7799225; plus strand). Cytogenetic location: 1p36.23.
Variant type: single nucleotide variant.
Coding change: c.3893G>A on transcript NM_015215.4 (MANE Select); coding-DNA position 3893, G replaced by A.
Protein change: p.Arg1298Gln; replaces arginine 1298 with glutamine.
Molecular consequence: missense variant. On other transcripts: intron variant (13).
Genome position (GRCh38, 1-based): chr1:7,738,193, G>A. VCF-style: chr1-7738193-G-A. GRCh37 (hg19) VCF-style: chr1-7798253-G-A.
Other names: c.3893G>A (NM_015215.3); c.3803G>A, p.Arg1268Gln (NM_001349608.2); c.1022G>A, p.Arg341Gln (NM_001349613.1); c.965G>A, p.Arg322Gln (NM_001349614.1, NM_001349615.2, NM_001349616.2 and 2 more transcripts); c.3659-105G>A (NM_001349609.2, NM_001349610.2, NM_001410737.1); c.3587-105G>A (NM_001410738.1); c.3569-105G>A (NM_001349612.2); c.731-105G>A (NM_001349620.1, NM_001349621.1, NM_001349625.2 and 5 more transcripts); short protein forms R1298Q, R322Q, R341Q, R1268Q.
Identifiers: ClinVar variation 4939762 (VCV004939762.2).